The following is an entry in ClinVar:

NM_201384.3(PLEC):c.3261-6C>T

Gene: PLEC (plectin; minus strand). Cytogenetic location: 8q24.3.
Variant type: single nucleotide variant.
Coding change: c.3261-6C>T on transcript NM_201384.3 (MANE Select); 6 bases into the intron before coding-DNA position 3261, C replaced by T.
Molecular consequence: intron variant.
Genome position (GRCh38, 1-based): chr8:143,927,998, G>A on the plus strand (C>T on the coding strand, the complement: PLEC is on the minus strand). VCF-style: chr8-143927998-G-A. GRCh37 (hg19) VCF-style: chr8-145002166-G-A.
Other names: c.3342-6C>T (NM_000445.5, NM_000445.4); c.3219-6C>T (NM_201378.4); c.3195-6C>T (NM_201379.3); c.3672-6C>T (NM_201380.4); c.3165-6C>T (NM_201381.3); c.3261-6C>T (NM_201382.4); c.3273-6C>T (NM_201383.3).
Identifiers: ClinVar variation 1580509 (VCV001580509.9), dbSNP rs782430078, ClinGen allele CA4927145.

ClinVar aggregate classification (germline): Likely benign. Review status: criteria provided, single submitter (1 of 4 stars). 2 submissions from 2 submitters: Likely benign (1). 1 of the submissions does not count toward it. Last evaluated 2024-12-22.

Conditions:
PLEC-related disorder. Also called: PLEC-related condition; PLEC-related disorders.
Autosomal recessive limb-girdle muscular dystrophy type 2Q (LGMDR17). Also called: MUSCULAR DYSTROPHY, LIMB-GIRDLE, AUTOSOMAL RECESSIVE 17. Identifiers: Orphanet 254361, MedGen C3150989, MONDO:0013390, OMIM 613723.
Epidermolysis bullosa simplex, Ogna type (EBS5A). Also called: Pidermolysis bullosa simplex 5A, Ogna type; EPIDERMOLYSIS BULLOSA SIMPLEX 5A, OGNA TYPE. Identifiers: Orphanet 79401, MedGen C0432317, MONDO:0007555, OMIM 131950.
Epidermolysis bullosa simplex 5C, with pyloric atresia (EBS5C). Also called: PLEC-Related Epidermolysis Bullosa with Pyloric Atresia; Epidermolysis bullosa simplex with pyloric atresia; PLEC1-Related Epidermolysis Bullosa with Pyloric Atresia. Identifiers: Orphanet 158684, MedGen C2677349, MONDO:0012807, OMIM 612138.
Epidermolysis bullosa simplex with nail dystrophy (EBS5D). Identifiers: MedGen C4225309, MONDO:0014661, OMIM 616487.
Epidermolysis bullosa simplex 5B, with muscular dystrophy (EBS5B). Also called: EPIDERMOLYSIS BULLOSA SIMPLEX AND LIMB-GIRDLE MUSCULAR DYSTROPHY; Epidermolysis bullosa simplex with muscular dystrophy. Identifiers: Orphanet 257, MedGen C2931072, MONDO:0009181, OMIM 226670.

Allele frequency attached by ClinVar (database versions not stated): gnomAD 0.00001; ExAC 0.00002; gnomAD exomes 0.00002 and 0.00003; TOPMed 0.00002.
gnomAD v4.1: 45 of 1,589,822 alleles (0.0028%); highest among the groups gnomAD compares: South Asian, 0.017%; no homozygotes.

Submissions (2):

Labcorp Genetics (formerly Invitae), Labcorp
Classification: Likely benign for Autosomal recessive limb-girdle muscular dystrophy type 2Q; Epidermolysis bullosa simplex, Ogna type; Epidermolysis bullosa simplex with nail dystrophy; Epidermolysis bullosa simplex 5C, with pyloric atresia; Epidermolysis bullosa simplex 5B, with muscular dystrophy. Last evaluated: 2024-12-22. Review status: criteria provided, single submitter. Criteria: Invitae Variant Classification Sherloc (09022015). Collection method: clinical testing. Allele origin: germline.

PreventionGenetics, part of Exact Sciences
Classification: Likely benign for PLEC-related condition. Last evaluated: 2024-07-16. Review status: no assertion criteria provided. Collection method: clinical testing. Allele origin: germline. Not counted in ClinVar's aggregate classification.
Comment: This variant is classified as likely benign based on ACMG/AMP sequence variant interpretation guidelines (Richards et al. 2015 PMID: 25741868, with internal and published modifications).